The following is an entry in ClinVar:

NC_000002.12:g.(?_96265128)_(96265399_?)dup

Gene: TMEM127 (transmembrane protein 127; minus strand). Cytogenetic location: 2q11.2.
Variant type: Duplication.
Identifiers: ClinVar variation 831760 (VCV000831760.2).

ClinVar aggregate classification (germline): Uncertain significance (1 of 4 stars; one submission).

Conditions:
Hereditary pheochromocytoma and paraganglioma. Also called: Hereditary pheochromocytoma-paraganglioma; Hereditary paragangliomas and pheochromocytomas; Hereditary Paraganglioma-Pheochromocytoma Syndromes. Identifiers: Orphanet 29072, MedGen C4274332, MONDO:0017366.

Submission:

Labcorp Genetics (formerly Invitae), Labcorp
Classification: Uncertain significance for Hereditary Paraganglioma-Pheochromocytoma Syndromes. Last evaluated: 2019-08-01. Review status: criteria provided, single submitter. Criteria: Invitae Variant Classification Sherloc (09022015). Collection method: clinical testing. Allele origin: germline.
Comment: This variant results in a copy number gain of the genomic region encompassing exon 2 of the TMEM127 gene, which includes the initiator codon. The 5' end of this event is unknown as it extends beyond the assayed region for this gene and therefore may encompass additional genes. The 3' boundary is likely confined to intron 2 of the TMEM127 gene. As the precise location of this event is unknown, it may be in tandem or it may be located elsewhere in the genome. This variant has not been reported in the literature in individuals with TMEM127-related conditions. In summary, the available evidence is currently insufficient to determine the role of this variant in disease. Therefore, it has been classified as a Variant of Uncertain Significance.